The following is an entry in ClinVar:

NM_000059.4(BRCA2):c.1504A>C (p.Lys502Gln)

Gene: BRCA2 (BRCA2 DNA repair associated; plus strand). Cytogenetic location: 13q13.1.
Variant type: single nucleotide variant.
Coding change: c.1504A>C on transcript NM_000059.4 (MANE Select); coding-DNA position 1504, A replaced by C.
Protein change: p.Lys502Gln; replaces lysine 502 with glutamine.
Molecular consequence: missense variant.
Genome position (GRCh38, 1-based): chr13:32,332,982, A>C. VCF-style: chr13-32332982-A-C. GRCh37 (hg19) VCF-style: chr13-32907119-A-C.
Other names: p.K502Q:AAA>CAA; short protein forms K502Q.
Identifiers: ClinVar variation 125946 (VCV000125946.22), dbSNP rs276174809, ClinGen allele CA012258.

ClinVar aggregate classification (germline): Conflicting classifications of pathogenicity. Review status: criteria provided, conflicting classifications (1 of 4 stars). 8 submissions from 8 submitters: Uncertain significance (4); Benign (1); Likely benign (2). 1 of the submissions does not count toward it. Last evaluated 2025-12-28.

Conditions:
Hereditary cancer-predisposing syndrome. Also called: Tumor predisposition; Hereditary Cancer Syndrome; Neoplastic Syndromes, Hereditary; Hereditary neoplastic syndrome. Identifiers: Orphanet 140162, MedGen C0027672, MeSH D009386, MONDO:0015356.
Hereditary breast ovarian cancer syndrome. Also called: Hereditary breast and ovarian cancer; Hereditary breast and/or ovarian cancer syndrome; BRCA1- and BRCA2-Associated Hereditary Breast and Ovarian Cancer; Hereditary breast and ovarian cancer syndrome; Hereditary breast and ovarian cancer syndrome (HBOC); Breast and ovarian cancer. Identifiers: Orphanet 145, MedGen C0677776, MeSH D061325, MONDO:0003582. Disease mechanism: loss of function.
Breast-ovarian cancer, familial, susceptibility to, 2 (BROVCA2). Also called: BRCA2 Hereditary Breast and Ovarian Cancer. Identifiers: Orphanet 145, MedGen C2675520, MONDO:0012933, OMIM 612555. Disease mechanism: loss of function.

Allele frequency attached by ClinVar (database versions not stated): gnomAD exomes below 0.00001.
gnomAD v4.1: 2 of 1,594,968 alleles (0.00013%); highest among the groups gnomAD compares: Non-Finnish European, 0.000085%; no homozygotes.

Submissions (8):

Labcorp Genetics (formerly Invitae), Labcorp
Classification: Uncertain significance for Hereditary breast ovarian cancer syndrome. Last evaluated: 2025-12-28. Review status: criteria provided, single submitter. Criteria: Invitae Variant Classification Sherloc (09022015). Collection method: clinical testing. Allele origin: germline.
Comment: This sequence change replaces lysine, which is basic and polar, with glutamine, which is neutral and polar, at codon 502 of the BRCA2 protein (p.Lys502Gln). This variant is present in population databases (rs276174809, gnomAD no frequency). This missense change has been observed in individual(s) with breast cancer (PMID: 10923033, 26997744, 35264596). ClinVar contains an entry for this variant (Variation ID: 125946). Invitae Evidence Modeling of protein sequence and biophysical properties (such as structural, functional, and spatial information, amino acid conservation, physicochemical variation, residue mobility, and thermodynamic stability) indicates that this missense variant is not expected to disrupt BRCA2 protein function with a negative predictive value of 95%. In summary, the available evidence is currently insufficient to determine the role of this variant in disease. Therefore, it has been classified as a Variant of Uncertain Significance.

Quest Diagnostics Nichols Institute San Juan Capistrano
Classification: Uncertain significance. Last evaluated: 2025-05-14. Review status: criteria provided, single submitter. Criteria: Quest Diagnostics criteria. Collection method: clinical testing. Allele origin: unknown.
Comment: The BRCA2 c.1504A>C (p.Lys502Gln) variant has been reported in the published literature in individuals with breast cancer (PMIDs: 26997744 (2016) and 35264596 (2022)), and described to be located in a region of the BRCA2 gene that is tolerant to missense sequence changes (PMID: 31911673 (2020)). The frequency of this variant in the general population (Genome Aggregation Database) is uninformative in the assessment of its pathogenicity. Analysis of this variant using bioinformatics tools for the prediction of the effect of amino acid changes on protein structure and function yielded predictions that this variant is benign. Based on the available information, we are unable to determine the clinical significance of this variant.

GeneDx
Classification: Uncertain significance. Last evaluated: 2024-03-08. Review status: criteria provided, single submitter. Criteria: GeneDx Variant Classification Process June 2021. Collection method: clinical testing. Allele origin: germline. Affected: yes.
Comment: In silico analysis supports that this missense variant does not alter protein structure/function; Not observed at significant frequency in large population cohorts (gnomAD); Also known as 1732A>C; This variant is associated with the following publications: (PMID: 32377563, 35264596, 29884841, 26997744)

University of Washington Department of Laboratory Medicine, University of Washington
Classification: Likely benign for Hereditary cancer-predisposing syndrome. Last evaluated: 2023-03-23. Review status: criteria provided, single submitter. Criteria: Dines et al. (Genet Med. 2020). Collection method: curation. Allele origin: germline.
Comment: Missense variant in a coldspot region where missense variants are very unlikely to be pathogenic (PMID:31911673).

BRCA2 exon 10 coldspot. Reclassification based on statistical prior probability.

Mendelics
Classification: Uncertain significance for Breast-ovarian cancer, familial, susceptibility to, 2. Last evaluated: 2019-05-28. Review status: criteria provided, single submitter. Criteria: Mendelics Assertion Criteria 2017. Collection method: clinical testing. Allele origin: unknown.

Ambry Genetics
Classification: Likely benign for Hereditary cancer-predisposing syndrome. Last evaluated: 2018-03-15. Review status: criteria provided, single submitter. Criteria: Ambry Variant Classification Scheme 2023. Collection method: clinical testing. Allele origin: germline.

Color Diagnostics, LLC DBA Color Health
Classification: Benign for Hereditary cancer-predisposing syndrome. Last evaluated: 2016-10-06. Review status: criteria provided, single submitter. Criteria: ACMG Guidelines, 2015. Collection method: clinical testing. Allele origin: germline.

Breast Cancer Information Core (BIC) (BRCA2)
Classification: Benign for Breast-ovarian cancer, familial 2. Last evaluated: 2010-12-17. Review status: no assertion criteria provided. Collection method: clinical testing. Allele origin: germline. Affected: yes. Observed: 1 variant allele. Not counted in ClinVar's aggregate classification.

Literature cited by the submitters: PubMed 10923033 (cited by Labcorp Genetics (formerly Invitae), Labcorp); PubMed 26997744 (cited by Labcorp Genetics (formerly Invitae), Labcorp and Quest Diagnostics Nichols Institute San Juan Capistrano); PubMed 35264596 (cited by Labcorp Genetics (formerly Invitae), Labcorp and Quest Diagnostics Nichols Institute San Juan Capistrano); PubMed 31911673 (cited by Quest Diagnostics Nichols Institute San Juan Capistrano).